The following is an entry in ClinVar:

ClinVar aggregate classification (germline): Uncertain significance. Review status: criteria provided, multiple submitters, no conflicts (2 of 4 stars). 4 submissions from 3 submitters: Uncertain significance (2). 2 of the submissions do not count toward it. Last evaluated 2024-08-09.

Conditions:
NSD1-related disorder. Also called: NSD1-related condition.
Sotos syndrome (SOTOS). Also called: Distinctive facial appearance, overgrowth in childhood, and learning disabilities or delayed development; CEREBRAL GIGANTISM; Sotos' syndrome; CHROMOSOME 5q35 DELETION SYNDROME; SOTOS SYNDROME 1. Identifiers: Orphanet 821, MedGen C0175695, MONDO:0019349, OMIM 117550.

Submissions (4):

GeneDx
Classification: Uncertain significance. Last evaluated: 2024-08-09. Review status: criteria provided, single submitter. Criteria: GeneDx Variant Classification Process June 2021. Collection method: clinical testing. Allele origin: germline. Affected: yes.
Comment: Not observed at significant frequency in large population cohorts (gnomAD); In silico analysis supports that this missense variant has a deleterious effect on protein structure/function; Has not been previously published as pathogenic or benign to our knowledge

Labcorp Genetics (formerly Invitae), Labcorp
Classification: Uncertain significance. Last evaluated: 2018-05-19. Review status: criteria provided, single submitter. Criteria: Invitae Variant Classification Sherloc (09022015). Collection method: clinical testing. Allele origin: germline.
Comment: In summary, the available evidence is currently insufficient to determine the role of this variant in disease. Therefore, it has been classified as a Variant of Uncertain Significance. Algorithms developed to predict the effect of missense changes on protein structure and function do not agree on the potential impact of this missense change (SIFT: "Deleterious"; PolyPhen-2: "Possibly Damaging"; Align-GVGD: "Class C0"). This variant has not been reported in the literature in individuals with NSD1-related disease. This variant is not present in population databases (ExAC no frequency). This sequence change replaces arginine with histidine at codon 1663 of the NSD1 protein (p.Arg1663His). The arginine residue is moderately conserved and there is a small physicochemical difference between arginine and histidine.

PreventionGenetics, part of Exact Sciences
Classification: Uncertain significance for NSD1-related condition. Last evaluated: 2024-05-20. Review status: no assertion criteria provided. Collection method: clinical testing. Allele origin: germline. Not counted in ClinVar's aggregate classification.
Comment: The NSD1 c.4988G>A variant is predicted to result in the amino acid substitution p.Arg1663His. To our knowledge, this variant has not been reported in the literature or in a large population database, indicating this variant is rare. At this time, the clinical significance of this variant is uncertain due to the absence of conclusive functional and genetic evidence.

Labcorp Genetics (formerly Invitae), Labcorp
Classification: Uncertain significance. Last evaluated: 2021-08-31. Review status: flagged submission. Criteria: Invitae Variant Classification Sherloc (09022015). Collection method: clinical testing. Allele origin: germline. Not counted in ClinVar's aggregate classification.
Comment: This sequence change replaces arginine with histidine at codon 1663 of the NSD1 protein (p.Arg1663His). The arginine residue is moderately conserved and there is a small physicochemical difference between arginine and histidine. This variant is not present in population databases (ExAC no frequency). This variant has not been reported in the literature in individuals affected with NSD1-related conditions. Algorithms developed to predict the effect of missense changes on protein structure and function are either unavailable or do not agree on the potential impact of this missense change (SIFT: "Deleterious"; PolyPhen-2: "Possibly Damaging"; Align-GVGD: "Class C0"). In summary, the available evidence is currently insufficient to determine the role of this variant in disease. Therefore, it has been classified as a Variant of Uncertain Significance.
ClinVar note: Reason: This record appears to be redundant with a more recent record from the same submitter.
ClinVar note: Notes: SCV001506824 appears to be redundant with SCV000824524.

NM_022455.5(NSD1):c.4988G>A (p.Arg1663His)

Gene: NSD1 (nuclear receptor binding SET domain protein 1; plus strand). Cytogenetic location: 5q35.3.
Variant type: single nucleotide variant.
Coding change: c.4988G>A on transcript NM_022455.5 (MANE Select); coding-DNA position 4988, G replaced by A.
Protein change: p.Arg1663His; replaces arginine 1663 with histidine.
Molecular consequence: missense variant.
Genome position (GRCh38, 1-based): chr5:177,260,010, G>A. VCF-style: chr5-177260010-G-A. GRCh37 (hg19) VCF-style: chr5-176687011-G-A.
Other names: c.4988G>A, p.Arg1663His (NM_001409302.1, NM_001409303.1, NM_001409301.1); c.4568G>A, p.Arg1523His (NM_001409304.1); c.4235G>A, p.Arg1412His (NM_001409305.1); c.4226G>A, p.Arg1409His (NM_001409306.1, NM_001409307.1); c.4115G>A, p.Arg1372His (NM_001409308.1, NM_001409309.1, NM_001365684.2 and 1 more transcripts); short protein forms R1663H, R1394H, R1372H, R1409H, R1412H, R1523H.
Identifiers: ClinVar variation 574136 (VCV000574136.11), dbSNP rs1562269357, ClinGen allele CA362302577.